The following is an entry in ClinVar:

NM_004415.4(DSP):c.2606G>A (p.Arg869Lys)

Gene: DSP (desmoplakin; plus strand). Cytogenetic location: 6p24.3.
Variant type: single nucleotide variant.
Coding change: c.2606G>A on transcript NM_004415.4 (MANE Select); coding-DNA position 2606, G replaced by A.
Protein change: p.Arg869Lys; replaces arginine 869 with lysine.
Molecular consequence: missense variant.
Genome position (GRCh38, 1-based): chr6:7,575,464, G>A. VCF-style: chr6-7575464-G-A. GRCh37 (hg19) VCF-style: chr6-7575697-G-A.
Other names: c.2606G>A, p.Arg869Lys (NM_001008844.3, NM_001319034.2); short protein forms R869K.
Identifiers: ClinVar variation 2946927 (VCV002946927.3), dbSNP rs1759211349, ClinGen allele CA362681709.

ClinVar aggregate classification (germline): Uncertain significance. Review status: criteria provided, multiple submitters, no conflicts (2 of 4 stars). 3 submissions from 3 submitters: Uncertain significance (3). Last evaluated 2024-08-20.

Conditions:
Arrhythmogenic cardiomyopathy with wooly hair and keratoderma. Also called: Dilated cardiomyopathy with woolly hair and keratoderma; PALMOPLANTAR KERATODERMA WITH LEFT VENTRICULAR CARDIOMYOPATHY AND WOOLLY HAIR; Carvajal syndrome; Arrhythmogenic cardiomyopathy with woolly hair and keratoderma. Identifiers: Orphanet 65282, MedGen C1854063, MONDO:0011581, OMIM 605676.
Arrhythmogenic right ventricular dysplasia 8 (ARVD8). Also called: Arrhythmogenic Right Ventricular Dysplasia/Cardiomyopathy 8; ARRHYTHMOGENIC RIGHT VENTRICULAR DYSPLASIA, FAMILIAL, 8; ARRHYTHMOGENIC RIGHT VENTRICULAR CARDIOMYOPATHY 8. Identifiers: MedGen C1843896, MONDO:0011831, OMIM 607450.

Submissions (3):

Women's Health and Genetics/Laboratory Corporation of America, LabCorp
Classification: Uncertain significance. Last evaluated: 2024-08-20. Review status: criteria provided, single submitter. Criteria: LabCorp Variant Classification Summary - May 2015. Collection method: clinical testing. Allele origin: germline.
Comment: Variant summary: DSP c.2606G>A (p.Arg869Lys) results in a conservative amino acid change in the encoded protein sequence. Five of five in-silico tools predict a benign effect of the variant on protein function. The variant was absent in 251378 control chromosomes. The available data on variant occurrences in the general population are insufficient to allow any conclusion about variant significance. To our knowledge, no occurrence of c.2606G>A in individuals affected with Arrhythmogenic Right Ventricular Dysplasia/Cardiomyopathy and no experimental evidence demonstrating its impact on protein function have been reported. ClinVar contains an entry for this variant (Variation ID: 2946927). Based on the evidence outlined above, the variant was classified as uncertain significance.

All of Us Research Program, National Institutes of Health
Classification: Uncertain significance for Arrhythmogenic cardiomyopathy with wooly hair and keratoderma. Last evaluated: 2024-03-24. Review status: criteria provided, single submitter. Criteria: ACMG Guidelines, 2015. Collection method: clinical testing. Allele origin: germline. Inheritance: Autosomal dominant inheritance. Observed: 1 variant allele, 1 heterozygote.
Comment: This missense variant replaces arginine with lysine at codon 869 of the DSP protein. Computational prediction suggests that this variant may not impact protein structure and function (internally defined REVEL score threshold <= 0.5, PMID: 27666373). To our knowledge, functional studies have not been reported for this variant. This variant has not been reported in individuals affected with DSP-related disorders in the literature. This variant has not been identified in the general population by the Genome Aggregation Database (gnomAD). The available evidence is insufficient to determine the role of this variant in disease conclusively. Therefore, this variant is classified as a Variant of Uncertain Significance.

This study involves interpretation of variants in research participants for the purpose of population health screening. Participant phenotype was not available at the time of variant classification. Additional details can be found in publication PMID: 35346344, PMCID: PMC8962531

Labcorp Genetics (formerly Invitae), Labcorp
Classification: Uncertain significance for Arrhythmogenic cardiomyopathy with wooly hair and keratoderma; Arrhythmogenic right ventricular dysplasia 8. Last evaluated: 2023-09-19. Review status: criteria provided, single submitter. Criteria: Invitae Variant Classification Sherloc (09022015). Collection method: clinical testing. Allele origin: germline.
Comment: In summary, the available evidence is currently insufficient to determine the role of this variant in disease. Therefore, it has been classified as a Variant of Uncertain Significance. Algorithms developed to predict the effect of missense changes on protein structure and function output the following: SIFT: "Not Available"; PolyPhen-2: "Benign"; Align-GVGD: "Not Available". The lysine amino acid residue is found in multiple mammalian species, which suggests that this missense change does not adversely affect protein function. This variant has not been reported in the literature in individuals affected with DSP-related conditions. This variant is not present in population databases (gnomAD no frequency). This sequence change replaces arginine, which is basic and polar, with lysine, which is basic and polar, at codon 869 of the DSP protein (p.Arg869Lys).